The following is an entry in ClinVar:

ClinVar aggregate classification (germline): Pathogenic/Likely pathogenic. Review status: criteria provided, multiple submitters, no conflicts (2 of 4 stars). 5 submissions from 4 submitters: Pathogenic (2); Likely pathogenic (1). 2 of the submissions do not count toward it. Last evaluated 2026-03-13.

Conditions:
Peroxisome biogenesis disorder 1A (Zellweger) (PBD1A). Also called: Peroxisome biogenesis disorder 1a; Zellweger leukodystrophy. Identifiers: MedGen C4721541, MONDO:0008953, OMIM 214100.
Zellweger spectrum disorders (ZS). Also called: Zellweger Spectrum Disorder (ZSD); Zellweger syndrome; Zellweger Spectrum Disorder; Zellweger Spectrum. Identifiers: Orphanet 912, MedGen C0043459, MONDO:0019609.
Peroxisome biogenesis disorder 1B (PBD1B). Also called: PEROXISOME BIOGENESIS DISORDER (NALD/IRD); ADRENOLEUKODYSTROPHY, AUTOSOMAL NEONATAL; Refsum disease, infantile form; Infantile Refsum disease; Infantile form of phytanic acid storage disease; PEROXISOME BIOGENESIS DISORDER (NEONATAL ADRENOLEUKODYSTROPHY/INFANTILE REFSUM DISEASE). Identifiers: Orphanet 44, MedGen C0282527, MONDO:0011101, OMIM 601539.

Submissions (5):

GeneDx
Classification: Pathogenic. Last evaluated: 2026-03-13. Review status: criteria provided, single submitter. Criteria: GeneDx Variant Classification Process June 2021. Collection method: clinical testing. Allele origin: germline.
Comment: Frameshift variant predicted to result in protein truncation or nonsense mediated decay in a gene for which loss of function is a known mechanism of disease; Not observed at significant frequency in large population cohorts (gnomAD); Has not been previously published as pathogenic or benign to our knowledge

Natera, Inc.
Classification: Likely pathogenic for Zellweger syndrome. Last evaluated: 2024-10-15. Review status: criteria provided, single submitter. Criteria: Natera Variant Classification Schema (03/2026). Collection method: clinical testing. Allele origin: germline.
Comment: The c.1908del variant in PEX1 is a frameshift variant predicted to shift the reading frame beginning at codon 636 and leads to a stop codon 9 codons downstream. This variant is expected to result in nonsense mediated decay, truncation, or a dysfunctional protein product. This variant is rare in the general population with a frequency below the threshold expected for the associated phenotype(s). Given the available evidence, this variant is classified as Likely Pathogenic.

Labcorp Genetics (formerly Invitae), Labcorp
Classification: Pathogenic for Zellweger spectrum disorders. Last evaluated: 2018-08-04. Review status: criteria provided, single submitter. Criteria: Invitae Variant Classification Sherloc (09022015). Collection method: clinical testing. Allele origin: germline.
Comment: For these reasons, this variant has been classified as Pathogenic. This sequence change creates a premature translational stop signal (p.Arg636Serfs*9) in the PEX1 gene. It is expected to result in an absent or disrupted protein product. This variant is not present in population databases (ExAC no frequency). This variant has not been reported in the literature in individuals with PEX1-related disease. ClinVar contains an entry for this variant (Variation ID: 371713). Loss-of-function variants in PEX1 are known to be pathogenic (PMID: 9398847, 16086329, 16141001, 21031596).

Counsyl
Classification: Likely pathogenic for Peroxisome biogenesis disorder 1A (Zellweger). Last evaluated: 2016-02-29. Review status: no assertion criteria provided. Collection method: clinical testing. Allele origin: unknown. Not counted in ClinVar's aggregate classification.

Counsyl
Classification: Likely pathogenic for Peroxisome biogenesis disorder 1B. Last evaluated: 2016-02-29. Review status: no assertion criteria provided. Collection method: clinical testing. Allele origin: unknown. Not counted in ClinVar's aggregate classification.

Literature cited by the submitters: PubMed 9398847 (cited by Labcorp Genetics (formerly Invitae), Labcorp); PubMed 16086329 (cited by Labcorp Genetics (formerly Invitae), Labcorp); PubMed 16141001 (cited by Labcorp Genetics (formerly Invitae), Labcorp); PubMed 21031596 (cited by Labcorp Genetics (formerly Invitae), Labcorp).

NM_000466.3(PEX1):c.1908del (p.Arg636fs)

Gene: PEX1 (peroxisomal biogenesis factor 1; minus strand). Cytogenetic location: 7q21.2.
Variant type: Deletion.
Coding change: c.1908del on transcript NM_000466.3 (MANE Select); coding-DNA position 1908, one base deleted (G; older notation c.1908delG).
Protein change: p.Arg636fs; shifts the reading frame from arginine 636.
Molecular consequence: frameshift variant. On other transcripts: intron variant (1).
Genome position (GRCh38, 1-based): chr7:92,504,895, C deleted on the plus strand (G on the coding strand, the reverse complement: PEX1 is on the minus strand); the first of 2 consecutive C bases (chr7:92,504,895-92,504,896); deleting either gives the same sequence. VCF-style (leftmost placement, unchanged base first): chr7-92504894-GC-G. GRCh37 (hg19) VCF-style: chr7-92134208-GC-G.
Other names: c.1284del, p.Arg428fs (NM_001282678.2); c.1900+1353del (NM_001282677.2); c.1908del (NM_000466.2); c.1908delG (NM_000466.2); short protein forms R636fs, R428fs.
Identifiers: ClinVar variation 371713 (VCV000371713.11), dbSNP rs1057517478, ClinGen allele CA16041160.